The following is an entry in ClinVar:

ClinVar aggregate classification (germline): Pathogenic. Review status: criteria provided, single submitter (1 of 4 stars). 3 submissions from 3 submitters: Pathogenic (1). 2 of the submissions do not count toward it. Last evaluated 2024-09-23.

Conditions:
Leukoencephalopathy with mild cerebellar ataxia and white matter edema (LKPAT). Also called: CLCN2-Related Leukoencephalopathy; Leukoencephalopathy with ataxia; Leukoencephalopathy with white matter edema; Brain white matter edema. Identifiers: Orphanet 363540, MedGen C4554120, MONDO:0014292, OMIM 615651. Disease mechanism: loss of function.

Submissions (3):

Labcorp Genetics (formerly Invitae), Labcorp
Classification: Pathogenic. Last evaluated: 2024-09-23. Review status: criteria provided, single submitter. Criteria: Invitae Variant Classification Sherloc (09022015). Collection method: clinical testing. Allele origin: germline.
Comment: This sequence change creates a premature translational stop signal (p.Arg277Alafs*23) in the CLCN2 gene. It is expected to result in an absent or disrupted protein product. Loss-of-function variants in CLCN2 are known to be pathogenic (PMID: 23707145). This variant is not present in population databases (gnomAD no frequency). This premature translational stop signal has been observed in individual(s) with CLCN2-related conditions (PMID: 23707145). ClinVar contains an entry for this variant (Variation ID: 100632). For these reasons, this variant has been classified as Pathogenic.

OMIM
Classification: Pathogenic for LEUKOENCEPHALOPATHY WITH ATAXIA. Last evaluated: 2013-07-01. Review status: no assertion criteria provided. Collection method: literature only. Allele origin: germline. Not counted in ClinVar's aggregate classification.

GeneReviews
No classification provided. Condition: Leukoencephalopathy with mild cerebellar ataxia and white matter edema. Review status: no classification provided. Collection method: literature only. Allele origin: germline. Affected: yes. Not counted in ClinVar's aggregate classification.

Literature cited by the submitters: PubMed 23707145 (cited by 3 submitters); NCBI Bookshelf NBK326661 (cited by GeneReviews).

NM_004366.6(CLCN2):c.828dup (p.Arg277fs)

Gene: CLCN2 (chloride voltage-gated channel 2; minus strand). Cytogenetic location: 3q27.1.
Variant type: Duplication.
Coding change: c.828dup on transcript NM_004366.6 (MANE Select); coding-DNA position 828, one base duplicated (G; older notation c.828dupG).
Protein change: p.Arg277fs; shifts the reading frame from arginine 277.
Molecular consequence: frameshift variant.
Genome position (GRCh38, 1-based): chr3:184,357,432, C duplicated on the plus strand (G on the coding strand, the reverse complement: CLCN2 is on the minus strand); the first of 2 consecutive C bases (chr3:184,357,432-184,357,433); duplicating either gives the same sequence. VCF-style (leftmost placement, unchanged base first): chr3-184357431-G-GC. GRCh37 (hg19) VCF-style: chr3-184075219-G-GC.
Other names: c.828dup, p.Arg277fs (NM_001171087.3, NM_001171089.3); c.696dup, p.Arg233fs (NM_001171088.3); short protein forms R233fs, R277fs.
Identifiers: ClinVar variation 100632 (VCV000100632.4), dbSNP rs587777112, ClinGen allele CA345449.